The following is an entry in ClinVar:

NM_000051.4(ATM):c.518G>C (p.Arg173Thr)

Gene: ATM (ATM serine/threonine kinase; plus strand). Cytogenetic location: 11q22.3.
Variant type: single nucleotide variant.
Coding change: c.518G>C on transcript NM_000051.4 (MANE Select); coding-DNA position 518, G replaced by C.
Protein change: p.Arg173Thr; replaces arginine 173 with threonine.
Molecular consequence: missense variant.
Genome position (GRCh38, 1-based): chr11:108,243,974, G>C. VCF-style: chr11-108243974-G-C. GRCh37 (hg19) VCF-style: chr11-108114701-G-C.
Other names: c.518G>C, p.Arg173Thr (NM_001351834.2); short protein forms R173T.
Identifiers: ClinVar variation 2768992 (VCV002768992.3), dbSNP rs372694758, ClinGen allele CA382527521.

ClinVar aggregate classification (germline): Uncertain significance (1 of 4 stars; one submission).

Conditions:
Ataxia-telangiectasia syndrome (AT). Also called: Ataxia-telangiectasia, complementation group D; LOUIS-BAR SYNDROME; ATAXIA-TELANGIECTASIA, COMPLEMENTATION GROUP A; ATAXIA-TELANGIECTASIA, FRESNO VARIANT; Ataxia telangiectasia (A-T); Cerebello-oculocutaneous telangiectasia. Identifiers: Orphanet 100, MedGen C0004135, MONDO:0008840, OMIM 208900.

Submission:

Labcorp Genetics (formerly Invitae), Labcorp
Classification: Uncertain significance for Ataxia-telangiectasia syndrome. Last evaluated: 2023-10-16. Review status: criteria provided, single submitter. Criteria: Invitae Variant Classification Sherloc (09022015). Collection method: clinical testing. Allele origin: germline.
Comment: This sequence change replaces arginine, which is basic and polar, with threonine, which is neutral and polar, at codon 173 of the ATM protein (p.Arg173Thr). This variant is not present in population databases (gnomAD no frequency). This variant has not been reported in the literature in individuals affected with ATM-related conditions. Algorithms developed to predict the effect of missense changes on protein structure and function output the following: SIFT: "Not Available"; PolyPhen-2: "Benign"; Align-GVGD: "Not Available". The threonine amino acid residue is found in multiple mammalian species, which suggests that this missense change does not adversely affect protein function. Algorithms developed to predict the effect of sequence changes on RNA splicing suggest that this variant may disrupt the consensus splice site. In summary, the available evidence is currently insufficient to determine the role of this variant in disease. Therefore, it has been classified as a Variant of Uncertain Significance.